The following is an entry in ClinVar:

ClinVar aggregate classification (germline): Uncertain significance. Review status: criteria provided, multiple submitters, no conflicts (2 of 4 stars). 2 submissions from 2 submitters: Uncertain significance (2). Last evaluated 2024-02-17.

Conditions:
Primary ciliary dyskinesia 28. Also called: CILIARY DYSKINESIA, PRIMARY, 28, WITH OR WITHOUT SITUS INVERSUS. Identifiers: Orphanet 244, MedGen C3809706, MONDO:0014216, OMIM 615505.
Primary ciliary dyskinesia. Also called: Ciliary dyskinesia. Identifiers: Orphanet 244, MedGen C0008780, MONDO:0016575, HP:0012265.

Allele frequency attached by ClinVar (database versions not stated): gnomAD exomes below 0.00001 and 0.00001; TOPMed 0.00002.
gnomAD v4.1: 4 of 1,587,938 alleles (0.00025%); highest among the groups gnomAD compares: Admixed American, 0.0038%; no homozygotes.

Submissions (2):

Labcorp Genetics (formerly Invitae), Labcorp
Classification: Uncertain significance for Primary ciliary dyskinesia 28. Last evaluated: 2024-02-17. Review status: criteria provided, single submitter. Criteria: Invitae Variant Classification Sherloc (09022015). Collection method: clinical testing. Allele origin: germline.
Comment: This sequence change replaces asparagine, which is neutral and polar, with serine, which is neutral and polar, at codon 221 of the SPAG1 protein (p.Asn221Ser). This variant is present in population databases (no rsID available, gnomAD 0.01%). This variant has not been reported in the literature in individuals affected with SPAG1-related conditions. ClinVar contains an entry for this variant (Variation ID: 845083). Advanced modeling of protein sequence and biophysical properties (such as structural, functional, and spatial information, amino acid conservation, physicochemical variation, residue mobility, and thermodynamic stability) performed at Invitae indicates that this missense variant is not expected to disrupt SPAG1 protein function with a negative predictive value of 80%. In summary, the available evidence is currently insufficient to determine the role of this variant in disease. Therefore, it has been classified as a Variant of Uncertain Significance.

Ambry Genetics
Classification: Uncertain significance for Primary ciliary dyskinesia. Last evaluated: 2018-08-30. Review status: criteria provided, single submitter. Criteria: Ambry Variant Classification Scheme 2023. Collection method: clinical testing. Allele origin: germline.
Comment: The p.N221S variant (also known as c.662A>G), located in coding exon 6 of the SPAG1 gene, results from an A to G substitution at nucleotide position 662. The asparagine at codon 221 is replaced by serine, an amino acid with highly similar properties. This amino acid position is poorly conserved in available vertebrate species. In addition, this alteration is predicted to be tolerated by in silico analysis. Since supporting evidence is limited at this time, the clinical significance of this alteration remains unclear.

NM_003114.5(SPAG1):c.662A>G (p.Asn221Ser)

Gene: SPAG1 (sperm associated antigen 1; plus strand). Cytogenetic location: 8q22.2.
Variant type: single nucleotide variant.
Coding change: c.662A>G on transcript NM_003114.5 (MANE Select); coding-DNA position 662, A replaced by G.
Protein change: p.Asn221Ser; replaces asparagine 221 with serine.
Molecular consequence: missense variant.
Genome position (GRCh38, 1-based): chr8:100,184,694, A>G. VCF-style: chr8-100184694-A-G. GRCh37 (hg19) VCF-style: chr8-101196922-A-G.
Other names: c.662A>G, p.Asn221Ser (NM_001374321.1, NM_172218.3); short protein forms N221S.
Identifiers: ClinVar variation 845083 (VCV000845083.12), dbSNP rs918123832, ClinGen allele CA182364597.